The following is an entry in ClinVar:

ClinVar aggregate classification (germline): Uncertain significance (1 of 4 stars; one submission).

Conditions:
Nemaline myopathy 8 (NEM8). Also called: Nemaline myopathy 8, autosomal recessive. Identifiers: Orphanet 171430, MedGen C3809209, MONDO:0014138, OMIM 615348.

Submission:

Labcorp Genetics (formerly Invitae), Labcorp
Classification: Uncertain significance for Nemaline myopathy 8. Last evaluated: 2022-06-20. Review status: criteria provided, single submitter. Criteria: Invitae Variant Classification Sherloc (09022015). Collection method: clinical testing. Allele origin: germline.
Comment: This sequence change replaces cysteine, which is neutral and slightly polar, with serine, which is neutral and polar, at codon 120 of the KLHL40 protein (p.Cys120Ser). This variant is not present in population databases (gnomAD no frequency). This variant has not been reported in the literature in individuals affected with KLHL40-related conditions. Algorithms developed to predict the effect of missense changes on protein structure and function (SIFT, PolyPhen-2, Align-GVGD) all suggest that this variant is likely to be disruptive. In summary, the available evidence is currently insufficient to determine the role of this variant in disease. Therefore, it has been classified as a Variant of Uncertain Significance.

NM_152393.4(KLHL40):c.359G>C (p.Cys120Ser)

Gene: KLHL40 (kelch like family member 40; plus strand). Cytogenetic location: 3p22.1.
Variant type: single nucleotide variant.
Coding change: c.359G>C on transcript NM_152393.4 (MANE Select); coding-DNA position 359, G replaced by C.
Protein change: p.Cys120Ser; replaces cysteine 120 with serine.
Molecular consequence: missense variant.
Genome position (GRCh38, 1-based): chr3:42,685,977, G>C. VCF-style: chr3-42685977-G-C. GRCh37 (hg19) VCF-style: chr3-42727469-G-C.
Other names: short protein forms C120S.
Identifiers: ClinVar variation 2006560 (VCV002006560.4), dbSNP rs2471307485, ClinGen allele CA352289214.